The following is an entry in ClinVar:

ClinVar aggregate classification (germline): Uncertain significance (1 of 4 stars; one submission).

Submission:

GeneDx
Classification: Uncertain significance. Last evaluated: 2019-09-20. Review status: criteria provided, single submitter. Criteria: GeneDx Variant Classification Process June 2021. Collection method: clinical testing. Allele origin: germline. Affected: yes.
Comment: Not observed in large population cohorts (Lek et al., 2016); Frameshift variant predicted to result in protein truncation or nonsense mediated decay in a gene for which loss-of-function is not a known mechanism of disease; Has not been previously published as pathogenic or benign to our knowledge; Variants in candidate genes are classified as variants of uncertain significance in accordance with ACMG guidelines (Richards et al., 2015)

NM_197968.4(ZMYM2):c.2035dup (p.Thr679fs)

Gene: ZMYM2 (zinc finger MYM-type containing 2; plus strand). Cytogenetic location: 13q12.11.
Variant type: Duplication.
Coding change: c.2035dup on transcript NM_197968.4 (MANE Select); coding-DNA position 2035, one base duplicated (A; older notation c.2035dupA).
Protein change: p.Thr679fs; shifts the reading frame from threonine 679.
Molecular consequence: frameshift variant. On other transcripts: non-coding transcript variant (1).
Genome position (GRCh38, 1-based): chr13:20,034,320, A duplicated. VCF-style (leftmost placement, unchanged base first): chr13-20034319-T-TA. GRCh37 (hg19) VCF-style: chr13-20608459-T-TA.
Other names: c.2035dup, p.Thr679fs (NM_001190964.4, NM_001190965.4, NM_001353157.2 and 5 more transcripts); c.1840dup, p.Thr614fs (NM_001353161.3); c.1774dup, p.Thr592fs (NM_001353163.2); short protein forms T592fs, T614fs, T679fs.
Identifiers: ClinVar variation 1312065 (VCV001312065.2), dbSNP rs2140343321, ClinGen allele CA2573053783.